The following is an entry in ClinVar:

ClinVar aggregate classification (germline): Pathogenic (1 of 4 stars; one submission).

Conditions:
Early-infantile DEE. Also called: Early infantile epileptic encephalopathy; Ohtahara syndrome; Early infantile epileptic encephalopathy with suppression bursts. Identifiers: Orphanet 1934, MedGen C0393706, MONDO:0800491.

Submission:

Labcorp Genetics (formerly Invitae), Labcorp
Classification: Pathogenic for Early-infantile DEE. Last evaluated: 2021-11-29. Review status: criteria provided, single submitter. Criteria: Invitae Variant Classification Sherloc (09022015). Collection method: clinical testing. Allele origin: germline.
Comment: For these reasons, this variant has been classified as Pathogenic. This variant has not been reported in the literature in individuals affected with SCN1A-related conditions. This variant is not present in population databases (gnomAD no frequency). This sequence change creates a premature translational stop signal (p.Thr398Asnfs*52) in the SCN1A gene. It is expected to result in an absent or disrupted protein product. Loss-of-function variants in SCN1A are known to be pathogenic (PMID: 17347258, 18930999).

Literature cited by the submitters: PubMed 17347258; PubMed 18930999.

NM_001165963.4(SCN1A):c.1192dup (p.Thr398fs)

Gene: SCN1A (sodium voltage-gated channel alpha subunit 1; minus strand). Cytogenetic location: 2q24.3.
Variant type: Duplication.
Coding change: c.1192dup on transcript NM_001165963.4 (MANE Select); coding-DNA position 1192, one base duplicated (A; older notation c.1192dupA).
Protein change: p.Thr398fs; shifts the reading frame from threonine 398.
Molecular consequence: frameshift variant. On other transcripts: 5 prime UTR variant (1), non-coding transcript variant (1).
Genome position (GRCh38, 1-based): chr2:166,046,955, T duplicated on the plus strand (A on the coding strand, the reverse complement: SCN1A is on the minus strand); the first of 4 consecutive T bases (chr2:166,046,955-166,046,958); duplicating any one gives the same sequence. VCF-style (leftmost placement, unchanged base first): chr2-166046954-G-GT. GRCh37 (hg19) VCF-style: chr2-166903464-G-GT.
Other names: c.1192dup, p.Thr398fs (NM_001165964.3, NM_001202435.3, NM_001353948.2 and 10 more transcripts); c.-1234dup (NM_001353961.2); short protein forms T398fs.
Identifiers: ClinVar variation 2016684 (VCV002016684.4), dbSNP rs796053055, ClinGen allele CA2580064375.